The following is an entry in ClinVar:

NM_000059.4(BRCA2):c.4331A>C (p.Asn1444Thr)

Gene: BRCA2 (BRCA2 DNA repair associated; plus strand). Cytogenetic location: 13q13.1.
Variant type: single nucleotide variant.
Coding change: c.4331A>C on transcript NM_000059.4 (MANE Select); coding-DNA position 4331, A replaced by C.
Protein change: p.Asn1444Thr; replaces asparagine 1444 with threonine.
Molecular consequence: missense variant.
Genome position (GRCh38, 1-based): chr13:32,338,686, A>C. VCF-style: chr13-32338686-A-C. GRCh37 (hg19) VCF-style: chr13-32912823-A-C.
Other names: short protein forms N1444T.
Identifiers: ClinVar variation 489758 (VCV000489758.13), dbSNP rs587782661, ClinGen allele CA387780858.
Genomic context (GRCh38, chr13:32,338,686, plus strand): 5'-CTGATACATTTTTTCAGACTGCAAGTGGGAAAAATATTAGTGTCGCCAAAGAGTCATTTA[A>C]TAAAATTGTAAATTTCTTTGATCAGAAACCAGAAGAATTGCATAACTTTTCCTTAAATTC-3'
Protein context (NP_000050.3, residues 1434-1454): KNISVAKESF[Asn1444Thr]KIVNFFDQKP

ClinVar aggregate classification (germline): Conflicting classifications of pathogenicity. Review status: criteria provided, conflicting classifications (1 of 4 stars). 4 submissions from 4 submitters: Uncertain significance (3); Likely benign (1). Last evaluated 2026-01-10.

Conditions:
Hereditary breast ovarian cancer syndrome. Also called: Breast and ovarian cancer; Hereditary breast and/or ovarian cancer syndrome; Hereditary breast and ovarian cancer; Hereditary breast and ovarian cancer syndrome (HBOC); BRCA1- and BRCA2-Associated Hereditary Breast and Ovarian Cancer; Hereditary breast and ovarian cancer syndrome. Identifiers: Orphanet 145, MedGen C0677776, MeSH D061325, MONDO:0003582. Disease mechanism: loss of function.
Hereditary cancer-predisposing syndrome. Also called: Hereditary Cancer Syndrome; Neoplastic Syndromes, Hereditary; Tumor predisposition; Hereditary neoplastic syndrome. Identifiers: Orphanet 140162, MedGen C0027672, MeSH D009386, MONDO:0015356.

Allele frequency attached by ClinVar (database versions not stated): gnomAD exomes below 0.00001.
gnomAD v4.1: 1 of 1,593,418 alleles (0.000063%); highest among the groups gnomAD compares: Non-Finnish European, 0.000086%; no homozygotes.

Submissions (4):

Labcorp Genetics (formerly Invitae), Labcorp
Classification: Uncertain significance for Hereditary breast ovarian cancer syndrome. Last evaluated: 2026-01-10. Review status: criteria provided, single submitter. Criteria: Invitae Variant Classification Sherloc (09022015). Collection method: clinical testing. Allele origin: germline.
Comment: This sequence change replaces asparagine, which is neutral and polar, with threonine, which is neutral and polar, at codon 1444 of the BRCA2 protein (p.Asn1444Thr). This variant is not present in population databases (gnomAD no frequency). This variant has not been reported in the literature in individuals affected with BRCA2-related conditions. ClinVar contains an entry for this variant (Variation ID: 489758). Invitae Evidence Modeling of protein sequence and biophysical properties (such as structural, functional, and spatial information, amino acid conservation, physicochemical variation, residue mobility, and thermodynamic stability) indicates that this missense variant is not expected to disrupt BRCA2 protein function with a negative predictive value of 95%. In summary, the available evidence is currently insufficient to determine the role of this variant in disease. Therefore, it has been classified as a Variant of Uncertain Significance.

Color Diagnostics, LLC DBA Color Health
Classification: Uncertain significance for Hereditary cancer-predisposing syndrome. Last evaluated: 2023-12-05. Review status: criteria provided, single submitter. Criteria: ACMG Guidelines, 2015. Collection method: clinical testing. Allele origin: germline.
Comment: This missense variant replaces asparagine with threonine at codon 1444 of the BRCA2 protein. Computational prediction suggests that this variant may not impact protein structure and function (internally defined REVEL score threshold <= 0.5, PMID: 27666373). To our knowledge, functional studies have not been reported for this variant. This variant has not been reported in individuals affected with BRCA2-related disorders in the literature. This variant has not been identified in the general population by the Genome Aggregation Database (gnomAD). The available evidence is insufficient to determine the role of this variant in disease conclusively. Therefore, this variant is classified as a Variant of Uncertain Significance.

Ambry Genetics
Classification: Uncertain significance for Hereditary cancer-predisposing syndrome. Last evaluated: 2023-11-09. Review status: criteria provided, single submitter. Criteria: Ambry Variant Classification Scheme 2023. Collection method: clinical testing. Allele origin: germline.
Comment: The p.N1444T variant (also known as c.4331A>C), located in coding exon 10 of the BRCA2 gene, results from an A to C substitution at nucleotide position 4331. The asparagine at codon 1444 is replaced by threonine, an amino acid with similar properties. This amino acid position is conserved. In addition, this alteration is predicted to be tolerated by in silico analysis. Since supporting evidence is limited at this time, the clinical significance of this alteration remains unclear.

University of Washington Department of Laboratory Medicine, University of Washington
Classification: Likely benign for Hereditary cancer-predisposing syndrome. Last evaluated: 2023-03-23. Review status: criteria provided, single submitter. Criteria: Dines et al. (Genet Med. 2020). Collection method: curation. Allele origin: germline.
Comment: Missense variant in a coldspot region where missense variants are very unlikely to be pathogenic (PMID:31911673).

BRCA2 exon 11 coldspot. Reclassification based on statistical prior probability.